The following is an entry in ClinVar:

ClinVar aggregate classification (germline): Conflicting classifications of pathogenicity. Review status: criteria provided, conflicting classifications (1 of 4 stars). 4 submissions from 4 submitters: Uncertain significance (3); Likely benign (1). Last evaluated 2024-09-20.

Conditions:
Neuronal ceroid lipofuscinosis. Also called: Neuronal Ceroid Lipofuscinoses. Identifiers: Orphanet 216, Orphanet 79263, MedGen C0027877, MONDO:0016295. Disease mechanism: loss of function.
Neuronal ceroid lipofuscinosis 3 (CLN3). Identifiers: Orphanet 228346, MedGen C0751383, MONDO:0008767, OMIM 204200.

Allele frequency attached by ClinVar (database versions not stated): gnomAD 0.00001 and 0.00002; TOPMed 0.00003; gnomAD exomes 0.00004 and 0.00007; ExAC 0.00008; 1000 Genomes Project 30x 0.00016; 1000 Genomes Project 0.00020.

Submissions (4):

3billion
Classification: Likely benign for Neuronal ceroid lipofuscinosis 3. Last evaluated: 2024-09-20. Review status: criteria provided, single submitter. Criteria: ACMG Guidelines, 2015. Collection method: clinical testing. Allele origin: germline. Affected: no.
Comment: The homozygous variant was found in patients diagnosed with another variant in a different gene, with no symptoms related to the gene containing the homozygous variant.

Blueprint Genetics
Classification: Uncertain significance. Last evaluated: 2024-07-05. Review status: criteria provided, single submitter. Criteria: ACMG Guidelines, 2015. Collection method: clinical testing. Allele origin: germline.

Labcorp Genetics (formerly Invitae), Labcorp
Classification: Uncertain significance for Neuronal ceroid lipofuscinosis. Last evaluated: 2022-10-17. Review status: criteria provided, single submitter. Criteria: Invitae Variant Classification Sherloc (09022015). Collection method: clinical testing. Allele origin: germline.
Comment: This sequence change replaces arginine, which is basic and polar, with tryptophan, which is neutral and slightly polar, at codon 127 of the CLN3 protein (p.Arg127Trp). This variant is present in population databases (rs201168980, gnomAD 0.1%). This variant has not been reported in the literature in individuals affected with CLN3-related conditions. ClinVar contains an entry for this variant (Variation ID: 1019427). Advanced modeling of protein sequence and biophysical properties (such as structural, functional, and spatial information, amino acid conservation, physicochemical variation, residue mobility, and thermodynamic stability) performed at Invitae indicates that this missense variant is not expected to disrupt CLN3 protein function. In summary, the available evidence is currently insufficient to determine the role of this variant in disease. Therefore, it has been classified as a Variant of Uncertain Significance.

Fulgent Genetics
Classification: Uncertain significance for Neuronal ceroid lipofuscinosis 3. Last evaluated: 2021-07-11. Review status: criteria provided, single submitter. Criteria: ACMG Guidelines, 2015. Collection method: clinical testing. Allele origin: unknown.

NM_001042432.2(CLN3):c.379C>T (p.Arg127Trp)

Gene: CLN3 (CLN3 lysosomal/endosomal transmembrane protein, battenin; minus strand). Cytogenetic location: 16p12.1.
Variant type: single nucleotide variant.
Coding change: c.379C>T on transcript NM_001042432.2 (MANE Select); coding-DNA position 379, C replaced by T.
Protein change: p.Arg127Trp; replaces arginine 127 with tryptophan.
Molecular consequence: missense variant.
Genome position (GRCh38, 1-based): chr16:28,487,537, G>A on the plus strand (C>T on the coding strand, the complement: CLN3 is on the minus strand). VCF-style: chr16-28487537-G-A. GRCh37 (hg19) VCF-style: chr16-28498858-G-A.
Other names: c.379C>T, p.Arg127Trp (NM_000086.2); c.307C>T, p.Arg103Trp (NM_001286104.2); c.79C>T, p.Arg27Trp (NM_001286105.2); c.145C>T, p.Arg49Trp (NM_001286109.2); c.217C>T, p.Arg73Trp (NM_001286110.2); short protein forms R103W, R127W, R27W, R49W, R73W.
Identifiers: ClinVar variation 1019427 (VCV001019427.7), dbSNP rs201168980, ClinGen allele CA7980940.